The following is an entry in ClinVar:

ClinVar aggregate classification (germline): Uncertain significance (1 of 4 stars; one submission).

Conditions:
Angelman syndrome (AS). Also called: HAPPY PUPPET SYNDROME. Identifiers: Orphanet 72, MedGen C0162635, MONDO:0007113, OMIM 105830. Disease mechanism: loss of function. Inheritance: AS is caused by disruption of maternally imprinted UBE3A located within the 15q11.2-q13 Angelman syndrome/Prader-Willi syndrome (AS/PWS) region., imprinting disorder.

Allele frequency attached by ClinVar (database versions not stated): gnomAD exomes below 0.00001; TOPMed below 0.00001; ExAC 0.00001; gnomAD 0.00001; 1000 Genomes Project 30x 0.00016; 1000 Genomes Project 0.00020.
gnomAD v4.1: 11 of 1,612,318 alleles (0.00068%); highest among the groups gnomAD compares: South Asian, 0.0022%; no homozygotes.

Submission:

Labcorp Genetics (formerly Invitae), Labcorp
Classification: Uncertain significance for Angelman syndrome. Last evaluated: 2019-09-17. Review status: criteria provided, single submitter. Criteria: Invitae Variant Classification Sherloc (09022015). Collection method: clinical testing. Allele origin: germline.
Comment: This variant is present in population databases (rs566793027, ExAC 0.01%). In summary, the available evidence is currently insufficient to determine the role of this variant in disease. Therefore, it has been classified as a Variant of Uncertain Significance. Algorithms developed to predict the effect of missense changes on protein structure and function (SIFT, PolyPhen-2, Align-GVGD) all suggest that this variant is likely to be tolerated, but these predictions have not been confirmed by published functional studies and their clinical significance is uncertain. This variant has not been reported in the literature in individuals with UBE3A-related conditions. This sequence change replaces leucine with isoleucine at codon 114 of the UBE3A protein (p.Leu114Ile). The leucine residue is moderately conserved and there is a small physicochemical difference between leucine and isoleucine.

NM_130839.5(UBE3A):c.400C>A (p.Leu134Ile)

Genes: SNHG14 (small nucleolar RNA host gene 14; plus strand), UBE3A (ubiquitin protein ligase E3A; minus strand). Cytogenetic location: 15q11.2.
Variant type: single nucleotide variant.
Coding change: c.400C>A on transcript NM_130839.5 (MANE Select); coding-DNA position 400, C replaced by A.
Protein change: p.Leu134Ile; replaces leucine 134 with isoleucine.
Molecular consequence: missense variant. On other transcripts: non-coding transcript variant (1), intron variant (2).
Genome position (GRCh38, 1-based): chr15:25,371,774, G>T on the plus strand (C>A on the coding strand, the complement: UBE3A is on the minus strand). VCF-style: chr15-25371774-G-T. GRCh37 (hg19) VCF-style: chr15-25616921-G-T.
Other names: c.409C>A, p.Leu137Ile (NM_000462.5); c.400C>A, p.Leu134Ile (NM_001354505.1, NM_001354538.2, NM_001354545.2); c.340C>A, p.Leu114Ile (NM_001354506.2, NM_001354507.2, NM_001354508.2 and 17 more transcripts); c.223C>A, p.Leu75Ile (NM_001354546.2); c.301+3691C>A (NM_001354551.2); c.361+3691C>A (NM_001354550.2); short protein forms L134I, L114I, L137I, L75I.
Identifiers: ClinVar variation 954947 (VCV000954947.8), dbSNP rs566793027, ClinGen allele CA7435630.